The following is an entry in ClinVar:

ClinVar aggregate classification (germline): Likely pathogenic. Review status: criteria provided, multiple submitters, no conflicts (2 of 4 stars). 2 submissions from 2 submitters: Likely pathogenic (2).

Conditions:
Hereditary spherocytosis type 1. Also called: Spherocytosis type 1; ANK1-Related Spherocytosis. Identifiers: Orphanet 822, MedGen C2674218, MONDO:0008447, OMIM 182900.

Submissions (2):

Department of Haematogenetics, ICMR National Institute of Immunohaematology
Classification: Likely pathogenic for Hereditary spherocytosis type 1. Review status: criteria provided, single submitter. Criteria: ACMG Guidelines, 2015. Collection method: research. Allele origin: inherited. Affected: yes.

Neuberg Centre For Genomic Medicine, NCGM
Classification: Likely pathogenic for Hereditary spherocytosis type 1. Review status: criteria provided, single submitter. Criteria: ACMG Guidelines, 2015. Collection method: clinical testing. Allele origin: germline. Inheritance: Autosomal dominant inheritance. Affected: yes.
Comment: The frame shift (c.2004del) variant has not been reported previously as a pathogenic variant nor as a benign variant, to our knowledge. The p.Leu669SerfsTer7 variant is novel (not in any individuals) in gnomAD Exomes and 1000 Genomes. This variant has been reported to the ClinVar Miner database as Likely Pathogenic. This variant causes a frameshift starting with codon Leucine 669, changes this amino acid to Serine residue, and creates a premature Stop codon at position 7 of the new reading frame, denoted p.Leu669SerfsTer7. This variant is predicted to cause loss of normal protein function through protein truncation. Loss of function variants have been previously reported to be disease causing. For these reasons, this variant has been classified as Likely Pathogenic.

NM_000037.4(ANK1):c.2004del (p.Leu669fs)

Gene: ANK1 (ankyrin 1; minus strand). Cytogenetic location: 8p11.21.
Variant type: Deletion.
Coding change: c.2004del on transcript NM_000037.4 (MANE Select); coding-DNA position 2004, one base deleted (A; older notation c.2004delA).
Protein change: p.Leu669fs; shifts the reading frame from leucine 669.
Molecular consequence: frameshift variant.
Genome position (GRCh38, 1-based): chr8:41,706,236, T deleted on the plus strand (A on the coding strand, the reverse complement: ANK1 is on the minus strand). VCF-style (leftmost placement, unchanged base first): chr8-41706235-GT-G. GRCh37 (hg19) VCF-style: chr8-41563753-GT-G.
Other names: c.2103del, p.Leu702fs (NM_001142446.2); c.2004del, p.Leu669fs (NM_020475.3, NM_020476.3, NM_020477.3); c.2004delA (NM_000037.4); short protein forms L669fs, L702fs.
Identifiers: ClinVar variation 1299408 (VCV001299408.2), dbSNP rs2150616506, ClinGen allele CA2499219307.
Genomic context (GRCh38, chr8:41,706,235, plus strand): 5'-TGATCAGCACATCTGCCACTGGAACGTGGCCTTCTTGTGCTACCAGATGGAGGGGAGTGA[GT>G]CCGCTCTGCAAAGAAAAAGACGTTCATCACCTTCTATCAAGTAAAGAATTCCAGGCCACA-3'